The following is an entry in ClinVar:

NM_052813.5(CARD9):c.1085C>T (p.Ala362Val)

Gene: CARD9 (caspase recruitment domain family member 9; minus strand). Cytogenetic location: 9q34.3.
Variant type: single nucleotide variant.
Coding change: c.1085C>T on transcript NM_052813.5 (MANE Select); coding-DNA position 1085, C replaced by T.
Protein change: p.Ala362Val; replaces alanine 362 with valine.
Molecular consequence: missense variant.
Genome position (GRCh38, 1-based): chr9:136,367,821, G>A on the plus strand (C>T on the coding strand, the complement: CARD9 is on the minus strand). VCF-style: chr9-136367821-G-A. GRCh37 (hg19) VCF-style: chr9-139262273-G-A.
Other names: c.1085C>T, p.Ala362Val (NM_052814.4); short protein forms A362V.
Identifiers: ClinVar variation 2196847 (VCV002196847.5), dbSNP rs746544609, ClinGen allele CA5332836.

ClinVar aggregate classification (germline): Uncertain significance. Review status: criteria provided, multiple submitters, no conflicts (2 of 4 stars). 2 submissions from 2 submitters: Uncertain significance (2). Last evaluated 2025-12-16.

Conditions:
Predisposition to invasive fungal disease due to CARD9 deficiency (IMD103). Also called: CARD9 IMMUNODEFICIENCY; IMMUNODEFICIENCY 103, SUSCEPTIBILITY TO FUNGAL INFECTIONS; Candidiasis, familial, 2, autosomal recessive. Identifiers: Orphanet 457088, MedGen C1859353, MONDO:0008905, OMIM 212050.
Inborn genetic diseases. Identifiers: MedGen C0950123, MeSH D030342.

Allele frequency attached by ClinVar (database versions not stated): gnomAD 0.00001; TOPMed 0.00001.
gnomAD v4.1: 8 of 1,599,480 alleles (0.0005%); highest among the groups gnomAD compares: Admixed American, 0.005%; no homozygotes.

Submissions (2):

Ambry Genetics
Classification: Uncertain significance for Inborn genetic diseases. Last evaluated: 2025-12-16. Review status: criteria provided, single submitter. Criteria: Ambry Variant Classification Scheme 2023. Collection method: clinical testing. Allele origin: germline.

Labcorp Genetics (formerly Invitae), Labcorp
Classification: Uncertain significance for Predisposition to invasive fungal disease due to CARD9 deficiency. Last evaluated: 2022-07-19. Review status: criteria provided, single submitter. Criteria: Invitae Variant Classification Sherloc (09022015). Collection method: clinical testing. Allele origin: germline.
Comment: In summary, the available evidence is currently insufficient to determine the role of this variant in disease. Therefore, it has been classified as a Variant of Uncertain Significance. Algorithms developed to predict the effect of missense changes on protein structure and function output the following: SIFT: "Tolerated"; PolyPhen-2: "Benign"; Align-GVGD: "Class C0". The valine amino acid residue is found in multiple mammalian species, which suggests that this missense change does not adversely affect protein function. This variant has not been reported in the literature in individuals affected with CARD9-related conditions. The frequency data for this variant in the population databases is considered unreliable, as metrics indicate poor data quality at this position in the gnomAD database. This sequence change replaces alanine, which is neutral and non-polar, with valine, which is neutral and non-polar, at codon 362 of the CARD9 protein (p.Ala362Val).